The following is an entry in ClinVar:

NM_001376.5(DYNC1H1):c.4054G>A (p.Val1352Ile)

Gene: DYNC1H1 (dynein cytoplasmic 1 heavy chain 1; plus strand). Cytogenetic location: 14q32.31.
Variant type: single nucleotide variant.
Coding change: c.4054G>A on transcript NM_001376.5 (MANE Select); coding-DNA position 4054, G replaced by A.
Protein change: p.Val1352Ile; replaces valine 1352 with isoleucine.
Molecular consequence: missense variant.
Genome position (GRCh38, 1-based): chr14:102,000,379, G>A. VCF-style: chr14-102000379-G-A. GRCh37 (hg19) VCF-style: chr14-102466716-G-A.
Other names: short protein forms V1352I.
Identifiers: ClinVar variation 1737405 (VCV001737405.2), dbSNP rs750180922, ClinGen allele CA7352148.

ClinVar aggregate classification (germline): Uncertain significance (1 of 4 stars; one submission).

Conditions:
Inborn genetic diseases. Identifiers: MedGen C0950123, MeSH D030342.

Allele frequency attached by ClinVar (database versions not stated): ExAC 0.00001; gnomAD 0.00001.
gnomAD v4.1: 1 of 1,613,990 alleles (0.000062%); no homozygotes.

Submission:

Ambry Genetics
Classification: Uncertain significance for Inborn genetic diseases. Last evaluated: 2021-12-01. Review status: criteria provided, single submitter. Criteria: Ambry Variant Classification Scheme 2023. Collection method: clinical testing. Allele origin: germline.
Comment: The p.V1352I variant (also known as c.4054G>A), located in coding exon 18 of the DYNC1H1 gene, results from a G to A substitution at nucleotide position 4054. The valine at codon 1352 is replaced by isoleucine, an amino acid with highly similar properties. This amino acid position is highly conserved in available vertebrate species. In addition, this alteration is predicted to be tolerated by in silico analysis. Since supporting evidence is limited at this time, the clinical significance of this alteration remains unclear.